The following is an entry in ClinVar:

ClinVar aggregate classification (germline): Uncertain significance. Review status: criteria provided, multiple submitters, no conflicts (2 of 4 stars). 2 submissions from 2 submitters: Uncertain significance (2). Last evaluated 2022-10-13.

Conditions:
Inborn genetic diseases. Identifiers: MedGen C0950123, MeSH D030342.

Allele frequency attached by ClinVar (database versions not stated): gnomAD 0.00001 and 0.00002; TOPMed 0.00002; gnomAD exomes 0.00003 and 0.00005; ExAC 0.00006; 1000 Genomes Project 0.00020; 1000 Genomes Project 30x 0.00031.
gnomAD v4.1: 18 of 1,613,952 alleles (0.0011%); highest among the groups gnomAD compares: Admixed American, 0.027%; no homozygotes.

Submissions (2):

Labcorp Genetics (formerly Invitae), Labcorp
Classification: Uncertain significance. Last evaluated: 2022-10-13. Review status: criteria provided, single submitter. Criteria: Invitae Variant Classification Sherloc (09022015). Collection method: clinical testing. Allele origin: germline.
Comment: This sequence change replaces threonine, which is neutral and polar, with isoleucine, which is neutral and non-polar, at codon 170 of the ACBD5 protein (p.Thr170Ile). This variant is present in population databases (rs533670508, gnomAD 0.04%). This variant has not been reported in the literature in individuals affected with ACBD5-related conditions. ClinVar contains an entry for this variant (Variation ID: 941403). Advanced modeling of protein sequence and biophysical properties (such as structural, functional, and spatial information, amino acid conservation, physicochemical variation, residue mobility, and thermodynamic stability) performed at Invitae indicates that this missense variant is not expected to disrupt ACBD5 protein function. In summary, the available evidence is currently insufficient to determine the role of this variant in disease. Therefore, it has been classified as a Variant of Uncertain Significance.

Ambry Genetics
Classification: Uncertain significance for Inborn genetic diseases. Last evaluated: 2021-11-09. Review status: criteria provided, single submitter. Criteria: Ambry Variant Classification Scheme 2023. Collection method: clinical testing. Allele origin: germline.

NM_145698.5(ACBD5):c.509C>T (p.Thr170Ile)

Gene: ACBD5 (acyl-CoA binding domain containing 5; minus strand). Cytogenetic location: 10p12.1.
Variant type: single nucleotide variant.
Coding change: c.509C>T on transcript NM_145698.5 (MANE Select); coding-DNA position 509, C replaced by T.
Protein change: p.Thr170Ile; replaces threonine 170 with isoleucine.
Molecular consequence: missense variant. On other transcripts: intron variant (2).
Genome position (GRCh38, 1-based): chr10:27,219,839, G>A on the plus strand (C>T on the coding strand, the complement: ACBD5 is on the minus strand). VCF-style: chr10-27219839-G-A. GRCh37 (hg19) VCF-style: chr10-27508768-G-A.
Other names: c.404C>T, p.Thr135Ile (NM_001042473.4, NM_001352577.2, NM_001352578.2 and 2 more transcripts); c.503C>T, p.Thr168Ile (NM_001271512.3, NM_001352587.1); c.182C>T, p.Thr61Ile (NM_001301251.2, NM_001301252.2, NM_001301253.2 and 3 more transcripts); c.563C>T, p.Thr188Ile (NM_001352568.1); c.542C>T, p.Thr181Ile (NM_001352569.1, NM_001352581.1); c.509C>T, p.Thr170Ile (NM_001352570.1, NM_001352588.1); c.536C>T, p.Thr179Ile (NM_001352571.1, NM_001352586.1); c.530C>T, p.Thr177Ile (NM_001352572.1); and 5 more; short protein forms T168I, T170I, T181I, T146I, T188I, T135I, T179I, T61I.
Identifiers: ClinVar variation 941403 (VCV000941403.6), dbSNP rs533670508, ClinGen allele CA5450900.